The following is an entry in ClinVar:

NM_001292063.2(OTOG):c.7742C>T (p.Ala2581Val)

Gene: OTOG (otogelin; plus strand). Cytogenetic location: 11p15.1.
Variant type: single nucleotide variant.
Coding change: c.7742C>T on transcript NM_001292063.2 (MANE Select); coding-DNA position 7742, C replaced by T.
Protein change: p.Ala2581Val; replaces alanine 2581 with valine.
Molecular consequence: missense variant.
Genome position (GRCh38, 1-based): chr11:17,635,658, C>T. VCF-style: chr11-17635658-C-T. GRCh37 (hg19) VCF-style: chr11-17657205-C-T.
Other names: c.7778C>T, p.Ala2593Val (NM_001277269.2); short protein forms A2593V, A2581V.
Identifiers: ClinVar variation 595593 (VCV000595593.32), dbSNP rs114417076, ClinGen allele CA218499602.
Genomic context (GRCh38, chr11:17,635,658, plus strand): 5'-CTTCCCCCTCAGCCTGTGGTGACTGTCCAGACTCCATCCCCGAATGTCAAGAAGGGGAGG[C>T]GCTCACTGTGCACAGGAATACCACGGAACTCTGCTGCCCTCTGTACCAGTGTGGTGAGTC-3'
Protein context (NP_001278992.1, residues 2571-2591): DSIPECQEGE[Ala2581Val]LTVHRNTTEL

ClinVar aggregate classification (germline): Conflicting classifications of pathogenicity. Review status: criteria provided, conflicting classifications (1 of 4 stars). 3 submissions from 3 submitters: Uncertain significance (2); Likely benign (1). Last evaluated 2025-05-06.

Allele frequency attached by ClinVar (database versions not stated): gnomAD exomes 0.00008; TOPMed 0.00029; 1000 Genomes Project 30x 0.00031; gnomAD 0.00032 and 0.00033; 1000 Genomes Project 0.00040.
gnomAD v4.1: 109 of 1,550,578 alleles (0.007%); highest among the groups gnomAD compares: African/African-American, 0.1%; 1 homozygote.

Submissions (3):

GeneDx
Classification: Uncertain significance. Last evaluated: 2025-05-06. Review status: criteria provided, single submitter. Criteria: GeneDx Variant Classification Process June 2021. Collection method: clinical testing. Allele origin: germline. Affected: yes.
Comment: In silico analysis suggests that this missense variant does not alter protein structure/function; Has not been previously published as pathogenic or benign to our knowledge

CeGaT Center for Human Genetics Tuebingen
Classification: Likely benign. Last evaluated: 2022-07-01. Review status: criteria provided, single submitter. Criteria: CeGaT Center For Human Genetics Tuebingen Variant Classification Criteria Version 2. Collection method: clinical testing. Allele origin: germline. Affected: yes. Observed: 1 variant allele.
Comment: OTOG: BP4

Eurofins Ntd Llc (ga)
Classification: Uncertain significance. Last evaluated: 2018-01-12. Review status: criteria provided, single submitter. Criteria: EGL Classification Definitions 2015. Collection method: clinical testing. Allele origin: germline. Observed: 1 variant allele, 1 heterozygote.